The following is an entry in ClinVar:

ClinVar aggregate classification (germline): Likely benign. Review status: criteria provided, multiple submitters, no conflicts (2 of 4 stars). 2 submissions from 2 submitters: Likely benign (2). Last evaluated 2026-02-11.

Conditions:
IFT56-related disorder. Also called: IFT56-related condition.

Allele frequency attached by ClinVar (database versions not stated): 1000 Genomes Project 30x 0.00016; 1000 Genomes Project 0.00020; ExAC 0.00035; gnomAD 0.00041; TOPMed 0.00042; ESP Exome Variant Server 0.00077.
gnomAD v4.1: 808 of 1,607,390 alleles (0.05%); highest among the groups gnomAD compares: East Asian, 0.062%; 1 homozygote.

Submissions (3):

PreventionGenetics, part of Exact Sciences
Classification: Likely benign for IFT56-related condition. Last evaluated: 2026-02-11. Review status: criteria provided, single submitter. Criteria: ACMG Guidelines, 2015. Collection method: clinical testing. Allele origin: germline.
Comment: This variant is classified as likely benign based on ACMG/AMP sequence variant interpretation guidelines (Richards et al. 2015 PMID: 25741868, with internal and published modifications).

Labcorp Genetics (formerly Invitae), Labcorp
Classification: Likely benign. Last evaluated: 2025-10-18. Review status: criteria provided, single submitter. Criteria: Invitae Variant Classification Sherloc (09022015). Collection method: clinical testing. Allele origin: germline.

Dr. Peter K. Rogan Lab, Western University
No classification provided (evidence only). Condition: Uveal melanoma. Review status: no classification provided. Collection method: in vitro. Allele origin: not applicable. Functional consequence: retained intron. Not counted in ClinVar's aggregate classification.

NM_024926.4(IFT56):c.1070-7G>A

Gene: IFT56 (intraflagellar transport 56; plus strand). Cytogenetic location: 7q34.
Variant type: single nucleotide variant.
Coding change: c.1070-7G>A on transcript NM_024926.4 (MANE Select); 7 bases into the intron before coding-DNA position 1070, G replaced by A.
Molecular consequence: intron variant.
Genome position (GRCh38, 1-based): chr7:139,178,207, G>A. VCF-style: chr7-139178207-G-A. GRCh37 (hg19) VCF-style: chr7-138862953-G-A.
Other names: c.650-7G>A (NM_001318333.2); c.1129-308G>A (NM_001321740.2); c.1070-7G>A (NM_001144920.3, NM_024926.3); c.752-7G>A (NM_001321741.2); c.677-7G>A (NM_001287512.2); c.977-7G>A (NM_001144923.3); c.755-7G>A (NM_001287513.2).
Identifiers: ClinVar variation 2051097 (VCV002051097.5), dbSNP rs192557897, ClinGen allele CA4508364.
Genomic context (GRCh38, chr7:139,178,207, plus strand): 5'-CAAACTTCAGCTAAAGAGGATTTTAGTCTCATGAATATATGTGGGGTTTTTTTCCCCTCC[G>A]TTTCAGATACAATACCAGGGAGGCAGTGCATGGCTTCCTGTTTCTTCCTGCTTAAGCAAT-3'